The following is an entry in ClinVar:

ClinVar aggregate classification (germline): Likely benign (0 of 4 stars; one submission).

Conditions:
CSMD1-related disorder. Also called: CSMD1-related condition.

Allele frequency attached by ClinVar (database versions not stated): gnomAD 0.00002; ExAC 0.00003; ESP Exome Variant Server 0.00008.
gnomAD v4.1: 56 of 1,603,390 alleles (0.0035%); highest among the groups gnomAD compares: Admixed American, 0.0051%; no homozygotes.

Submission:

PreventionGenetics, part of Exact Sciences
Classification: Likely benign for CSMD1-related condition. Last evaluated: 2019-07-23. Review status: no assertion criteria provided. Collection method: clinical testing. Allele origin: germline.
Comment: This variant is classified as likely benign based on ACMG/AMP sequence variant interpretation guidelines (Richards et al. 2015 PMID: 25741868, with internal and published modifications).

NM_033225.6(CSMD1):c.7854A>T (p.Arg2618=)

Gene: CSMD1 (CUB and Sushi multiple domains 1; minus strand). Cytogenetic location: 8p23.2.
Variant type: single nucleotide variant.
Coding change: c.7854A>T on transcript NM_033225.6 (MANE Select); coding-DNA position 7854, A replaced by T.
Protein change: p.Arg2618=; no amino-acid change (arginine 2618 retained).
Molecular consequence: synonymous variant.
Genome position (GRCh38, 1-based): chr8:3,029,320, T>A on the plus strand (A>T on the coding strand, the complement: CSMD1 is on the minus strand). VCF-style: chr8-3029320-T-A. GRCh37 (hg19) VCF-style: chr8-2886842-T-A.
Identifiers: ClinVar variation 3049552 (VCV003049552.2), dbSNP rs374458900, ClinGen allele CA4605855.
Genomic context (GRCh38, chr8:3,029,320, plus strand): 5'-AGCCATCTAGAATAATCTAGGATGCCGTGACTTTCAGGGGTGCCTCCCTCATCACTTACC[T>A]CGACAGCTTGGCCTCTCATCTCCTATGTTCCACGTCCCATTGGCCTGGCACCGCAGGAGC-3'
Protein context (NP_150094.5, residues 2608-2628): WNIGDERPSC[Arg2618=]VISCGSLSFP